The following is an entry in ClinVar:

ClinVar aggregate classification (germline): Uncertain significance (1 of 4 stars; one submission).

Submission:

GeneDx
Classification: Uncertain significance. Last evaluated: 2025-07-23. Review status: criteria provided, single submitter. Criteria: GeneDx Variant Classification Process June 2021. Collection method: clinical testing. Allele origin: germline. Affected: yes.
Comment: Not observed at significant frequency in large population cohorts (gnomAD); Has not been previously published as pathogenic or benign to our knowledge; Nonsense variant predicted to result in protein truncation as the last 47 amino acid(s) are lost with an unclear effect on protein function

NM_001012426.2(FOXP4):c.1900C>T (p.Gln634Ter)

Gene: FOXP4 (forkhead box P4; plus strand). Cytogenetic location: 6p21.1.
Variant type: single nucleotide variant.
Coding change: c.1900C>T on transcript NM_001012426.2 (MANE Select); coding-DNA position 1900, C replaced by T.
Protein change: p.Gln634Ter; replaces glutamine 634 with a stop codon.
Molecular consequence: nonsense.
Genome position (GRCh38, 1-based): chr6:41,598,793, C>T. VCF-style: chr6-41598793-C-T. GRCh37 (hg19) VCF-style: chr6-41566531-C-T.
Other names: c.1894C>T, p.Gln632Ter (NM_001012427.2); c.1864C>T, p.Gln622Ter (NM_001405824.1); c.1804C>T, p.Gln602Ter (NM_001405825.1); c.1768C>T, p.Gln590Ter (NM_001405826.1); c.1861C>T, p.Gln621Ter (NM_138457.3); short protein forms Q590*, Q602*, Q621*, Q622*, Q632*, Q634*.
Identifiers: ClinVar variation 4686836 (VCV004686836.1).